The following is an entry in ClinVar:

NM_201384.3(PLEC):c.2304+5G>A

Gene: PLEC (plectin; minus strand). Cytogenetic location: 8q24.3.
Variant type: single nucleotide variant.
Coding change: c.2304+5G>A on transcript NM_201384.3 (MANE Select); 5 bases into the intron after coding-DNA position 2304, G replaced by A.
Molecular consequence: intron variant.
Genome position (GRCh38, 1-based): chr8:143,931,529, C>T on the plus strand (G>A on the coding strand, the complement: PLEC is on the minus strand). VCF-style: chr8-143931529-C-T. GRCh37 (hg19) VCF-style: chr8-145005697-C-T.
Other names: c.2385+5G>A (NM_000445.4, NM_000445.5); c.2262+5G>A (NM_201378.4); c.2238+5G>A (NM_201379.3); c.2715+5G>A (NM_201380.4); c.2208+5G>A (NM_201381.3); c.2304+5G>A (NM_201382.4); c.2316+5G>A (NM_201383.3).
Identifiers: ClinVar variation 1059951 (VCV001059951.7), dbSNP rs781783346, ClinGen allele CA4927589.

ClinVar aggregate classification (germline): Uncertain significance. Review status: criteria provided, single submitter (1 of 4 stars). 2 submissions from 2 submitters: Uncertain significance (1). 1 of the submissions does not count toward it. Last evaluated 2026-01-13.

Conditions:
PLEC-related disorder. Also called: PLEC-related disorders; PLEC-related condition.
Autosomal recessive limb-girdle muscular dystrophy type 2Q (LGMDR17). Also called: MUSCULAR DYSTROPHY, LIMB-GIRDLE, AUTOSOMAL RECESSIVE 17. Identifiers: Orphanet 254361, MedGen C3150989, MONDO:0013390, OMIM 613723.
Epidermolysis bullosa simplex 5B, with muscular dystrophy (EBS5B). Also called: EPIDERMOLYSIS BULLOSA SIMPLEX AND LIMB-GIRDLE MUSCULAR DYSTROPHY; Epidermolysis bullosa simplex with muscular dystrophy. Identifiers: Orphanet 257, MedGen C2931072, MONDO:0009181, OMIM 226670.
Epidermolysis bullosa simplex, Ogna type (EBS5A). Also called: Pidermolysis bullosa simplex 5A, Ogna type; EPIDERMOLYSIS BULLOSA SIMPLEX 5A, OGNA TYPE. Identifiers: Orphanet 79401, MedGen C0432317, MONDO:0007555, OMIM 131950.
Epidermolysis bullosa simplex 5C, with pyloric atresia (EBS5C). Also called: PLEC1-Related Epidermolysis Bullosa with Pyloric Atresia; PLEC-Related Epidermolysis Bullosa with Pyloric Atresia; Epidermolysis bullosa simplex with pyloric atresia. Identifiers: Orphanet 158684, MedGen C2677349, MONDO:0012807, OMIM 612138.
Epidermolysis bullosa simplex with nail dystrophy (EBS5D). Identifiers: MedGen C4225309, MONDO:0014661, OMIM 616487.

Allele frequency attached by ClinVar (database versions not stated): TOPMed 0.00012; gnomAD exomes 0.00001; ExAC 0.00011; gnomAD 0.00013 and 0.00016.
gnomAD v4.1: 28 of 1,585,012 alleles (0.0018%); highest among the groups gnomAD compares: African/African-American, 0.035%; no homozygotes.

Submissions (2):

Labcorp Genetics (formerly Invitae), Labcorp
Classification: Uncertain significance for Autosomal recessive limb-girdle muscular dystrophy type 2Q; Epidermolysis bullosa simplex, Ogna type; Epidermolysis bullosa simplex with nail dystrophy; Epidermolysis bullosa simplex 5C, with pyloric atresia; Epidermolysis bullosa simplex 5B, with muscular dystrophy. Last evaluated: 2026-01-13. Review status: criteria provided, single submitter. Criteria: Invitae Variant Classification Sherloc (09022015). Collection method: clinical testing. Allele origin: germline.
Comment: This sequence change falls in intron 20 of the PLEC gene. It does not directly change the encoded amino acid sequence of the PLEC protein. It affects a nucleotide within the consensus splice site. This variant is present in population databases (rs781783346, gnomAD 0.06%). This variant has not been reported in the literature in individuals affected with PLEC-related conditions. ClinVar contains an entry for this variant (Variation ID: 1059951). Variants that disrupt the consensus splice site are a relatively common cause of aberrant splicing (PMID: 17576681, 9536098). Algorithms developed to predict the effect of sequence changes on RNA splicing suggest that this variant is not likely to affect RNA splicing. In summary, the available evidence is currently insufficient to determine the role of this variant in disease. Therefore, it has been classified as a Variant of Uncertain Significance.

PreventionGenetics, part of Exact Sciences
Classification: Likely benign for PLEC-related condition. Last evaluated: 2019-05-28. Review status: no assertion criteria provided. Collection method: clinical testing. Allele origin: germline. Not counted in ClinVar's aggregate classification.
Comment: This variant is classified as likely benign based on ACMG/AMP sequence variant interpretation guidelines (Richards et al. 2015 PMID: 25741868, with internal and published modifications).

Literature cited by the submitters: PubMed 17576681 (cited by Labcorp Genetics (formerly Invitae), Labcorp); PubMed 9536098 (cited by Labcorp Genetics (formerly Invitae), Labcorp).